The following is an entry in ClinVar:

ClinVar aggregate classification (germline): Uncertain significance (1 of 4 stars; one submission).

Conditions:
Very long chain acyl-CoA dehydrogenase deficiency (ACADVLD). Also called: Very Long-Chain Acyl-Coenzyme A Dehydrogenase Deficiency; VLCAD Deficiency. Identifiers: Orphanet 26793, MedGen C3887523, MONDO:0008723, OMIM 201475.

Submission:

Labcorp Genetics (formerly Invitae), Labcorp
Classification: Uncertain significance for Very long chain acyl-CoA dehydrogenase deficiency. Last evaluated: 2025-03-11. Review status: criteria provided, single submitter. Criteria: Invitae Variant Classification Sherloc (09022015). Collection method: clinical testing. Allele origin: germline.
Comment: This sequence change replaces leucine, which is neutral and non-polar, with phenylalanine, which is neutral and non-polar, at codon 653 of the ACADVL protein (p.Leu653Phe). This variant is not present in population databases (gnomAD no frequency). This variant has not been reported in the literature in individuals affected with ACADVL-related conditions. Invitae Evidence Modeling of protein sequence and biophysical properties (such as structural, functional, and spatial information, amino acid conservation, physicochemical variation, residue mobility, and thermodynamic stability) has been performed for this missense variant. However, the output from this modeling did not meet the statistical confidence thresholds required to predict the impact of this variant on ACADVL protein function. In summary, the available evidence is currently insufficient to determine the role of this variant in disease. Therefore, it has been classified as a Variant of Uncertain Significance.

NM_000018.4(ACADVL):c.1957C>T (p.Leu653Phe)

Gene: ACADVL (acyl-CoA dehydrogenase very long chain; plus strand). Cytogenetic location: 17p13.1.
Variant type: single nucleotide variant.
Coding change: c.1957C>T on transcript NM_000018.4 (MANE Select); coding-DNA position 1957, C replaced by T.
Protein change: p.Leu653Phe; replaces leucine 653 with phenylalanine.
Molecular consequence: missense variant.
Genome position (GRCh38, 1-based): chr17:7,225,086, C>T. VCF-style: chr17-7225086-C-T. GRCh37 (hg19) VCF-style: chr17-7128405-C-T.
Other names: c.1891C>T, p.Leu631Phe (NM_001033859.3); c.2026C>T, p.Leu676Phe (NM_001270447.2); c.1729C>T, p.Leu577Phe (NM_001270448.2); short protein forms L631F, L577F, L653F, L676F.
Identifiers: ClinVar variation 4777332 (VCV004777332.1).